The following is an entry in ClinVar:

ClinVar aggregate classification (germline): Conflicting classifications of pathogenicity. Review status: criteria provided, conflicting classifications (1 of 4 stars). 7 submissions from 7 submitters: Uncertain significance (1); Benign (3); Likely benign (2). 1 of the submissions does not count toward it. Last evaluated 2026-09-01.

Conditions:
Autosomal recessive nonsyndromic hearing loss 77. Identifiers: Orphanet 90636, MedGen C2746083, MONDO:0013119, OMIM 613079.

Allele frequency attached by ClinVar (database versions not stated): 1000 Genomes Project 30x 0.00156; gnomAD exomes 0.00797 and 0.00604; gnomAD 0.00630 and 0.00657; ESP Exome Variant Server 0.00679; 1000 Genomes Project 0.00200; ExAC 0.00348; TOPMed 0.00480.
gnomAD v4.1: 12,009 of 1,551,238 alleles (0.77%); highest among the groups gnomAD compares: Non-Finnish European, 0.87%; 58 homozygotes.

Submissions (7):

CeGaT Center for Human Genetics Tuebingen
Classification: Likely benign. Last evaluated: 2026-09-01. Review status: criteria provided, single submitter. Criteria: CeGaT Center For Human Genetics Tuebingen Variant Classification Criteria Version 2. Collection method: clinical testing. Allele origin: germline. Affected: yes. Observed: 13 variant alleles.
Comment: LOXHD1: BP4, BP7, BS2

Labcorp Genetics (formerly Invitae), Labcorp
Classification: Benign. Last evaluated: 2026-02-04. Review status: criteria provided, single submitter. Criteria: Invitae Variant Classification Sherloc (09022015). Collection method: clinical testing. Allele origin: germline.

Mayo Clinic Laboratories, Mayo Clinic
Classification: Benign. Last evaluated: 2024-10-16. Review status: criteria provided, single submitter. Criteria: ACMG Guidelines, 2015. Collection method: clinical testing. Allele origin: germline. Observed: 2 variant alleles.
Comment: BA1, BS2, BP4, BP7

GeneDx
Classification: Likely benign. Last evaluated: 2018-01-23. Review status: criteria provided, single submitter. Criteria: GeneDx Variant Classification (06012015). Collection method: clinical testing. Allele origin: germline. Affected: yes.
Comment: This variant is considered likely benign or benign based on one or more of the following criteria: it is a conservative change, it occurs at a poorly conserved position in the protein, it is predicted to be benign by multiple in silico algorithms, and/or has population frequency not consistent with disease.

Illumina Laboratory Services, Illumina
Classification: Uncertain significance for Autosomal recessive nonsyndromic hearing loss 77. Last evaluated: 2018-01-13. Review status: criteria provided, single submitter. Criteria: ICSL Variant Classification Criteria 13 December 2019. Collection method: clinical testing. Allele origin: germline.

Laboratory for Molecular Medicine, Mass General Brigham Personalized Medicine
Classification: Benign. Last evaluated: 2012-05-07. Review status: criteria provided, single submitter. Criteria: LMM Criteria. Collection method: clinical testing. Allele origin: germline. Observed: 17 variant alleles.
Comment: "Cys1333Cys in Exon 26 of LOXHD1: This variant is not expected to have clinical significance because it does not alter an amino acid residue, is not located wit hin the splice consensus sequence, and has been identified in 1.0% (26/2532) of European American chromosomes from a broad population by the NHLBI Exome Sequenc ing Project (dbSNP rs117297079)."

Natera, Inc.
Classification: Benign for Autosomal recessive deafness type 77. Last evaluated: 2019-12-10. Review status: no assertion criteria provided. Collection method: clinical testing. Allele origin: germline. Not counted in ClinVar's aggregate classification.

NM_001384474.1(LOXHD1):c.3999C>T (p.Cys1333=)

Gene: LOXHD1 (lipoxygenase homology PLAT domains 1; minus strand). Cytogenetic location: 18q21.1.
Variant type: single nucleotide variant.
Coding change: c.3999C>T on transcript NM_001384474.1 (MANE Select); coding-DNA position 3999, C replaced by T.
Protein change: p.Cys1333=; no amino-acid change (cysteine 1333 retained).
Molecular consequence: synonymous variant.
Genome position (GRCh38, 1-based): chr18:46,538,252, G>A on the plus strand (C>T on the coding strand, the complement: LOXHD1 is on the minus strand). VCF-style: chr18-46538252-G-A. GRCh37 (hg19) VCF-style: chr18-44118215-G-A.
Other names: p.Cys1333=; c.666C>T, p.Cys222= (NM_001145472.3); c.378C>T, p.Cys126= (NM_001308013.2); c.3999C>T, p.Cys1333= (NM_144612.7).
Identifiers: ClinVar variation 47936 (VCV000047936.53), dbSNP rs117297079, ClinGen allele CA142218.